The following is an entry in ClinVar:

NM_004539.4(NARS1):c.1222G>C (p.Glu408Gln)

Gene: NARS1 (asparaginyl-tRNA synthetase 1; minus strand). Cytogenetic location: 18q21.31.
Variant type: single nucleotide variant.
Coding change: c.1222G>C on transcript NM_004539.4 (MANE Select); coding-DNA position 1222, G replaced by C.
Protein change: p.Glu408Gln; replaces glutamic acid 408 with glutamine.
Molecular consequence: missense variant.
Genome position (GRCh38, 1-based): chr18:57,605,886, C>G on the plus strand (G>C on the coding strand, the complement: NARS1 is on the minus strand). VCF-style: chr18-57605886-C-G. GRCh37 (hg19) VCF-style: chr18-55273118-C-G.
Other names: short protein forms E408Q.
Identifiers: ClinVar variation 3572713 (VCV003572713.1).

ClinVar aggregate classification (germline): Uncertain significance (1 of 4 stars; one submission).

Submission:

GeneDx
Classification: Uncertain significance. Last evaluated: 2024-07-10. Review status: criteria provided, single submitter. Criteria: GeneDx Variant Classification Process June 2021. Collection method: clinical testing. Allele origin: germline. Affected: yes.
Comment: Not observed at significant frequency in large population cohorts (gnomAD); In silico analysis indicates that this missense variant does not alter protein structure/function; Has not been previously published as pathogenic or benign to our knowledge